The following is an entry in ClinVar:

NM_002641.4(PIGA):c.85A>G (p.Arg29Gly)

Gene: PIGA (phosphatidylinositol glycan anchor biosynthesis class A; minus strand). Cytogenetic location: Xp22.2.
Variant type: single nucleotide variant.
Coding change: c.85A>G on transcript NM_002641.4 (MANE Select); coding-DNA position 85, A replaced by G.
Protein change: p.Arg29Gly; replaces arginine 29 with glycine.
Molecular consequence: missense variant. On other transcripts: non-coding transcript variant (1), intron variant (1).
Genome position (GRCh38, 1-based): chrX:15,331,846, T>C on the plus strand (A>G on the coding strand, the complement: PIGA is on the minus strand). VCF-style: chrX-15331846-T-C. GRCh37 (hg19) VCF-style: chrX-15349968-T-C.
Other names: c.13+3655A>G (NM_020473.3); short protein forms R29G.
Identifiers: ClinVar variation 2055551 (VCV002055551.4), dbSNP rs1414426904, ClinGen allele CA412341291.
Genomic context (GRCh38, chrX:15,331,846, plus strand): 5'-CGCCTCCCATATTTGGGTAGAAAAAGTCAGATACCATGCATATATTATGGGTACGGGTTC[T>C]ACATGTGTAAAGACTTCCAGGGCTAACCCGAGAGAGTGTAGCTGAGGCACGGTGGCCATT-3'
Protein context (NP_002632.1, residues 19-39): RVSPGSLYTC[Arg29Gly]TRTHNICMVS

ClinVar aggregate classification (germline): Uncertain significance (1 of 4 stars; one submission).

Conditions:
Multiple congenital anomalies-hypotonia-seizures syndrome 2 (MCAHS2). Also called: EPILEPTIC ENCEPHALOPATHY, EARLY INFANTILE, 20; GLYCOSYLPHOSPHATIDYLINOSITOL BIOSYNTHESIS DEFECT 4. Identifiers: Orphanet 300496, MedGen C3275508, MONDO:0010466, OMIM 300868.

Allele frequency attached by ClinVar (database versions not stated): gnomAD exomes below 0.00001.

Submission:

Labcorp Genetics (formerly Invitae), Labcorp
Classification: Uncertain significance for Multiple congenital anomalies-hypotonia-seizures syndrome 2. Last evaluated: 2021-12-23. Review status: criteria provided, single submitter. Criteria: Invitae Variant Classification Sherloc (09022015). Collection method: clinical testing. Allele origin: germline.
Comment: This sequence change replaces arginine, which is basic and polar, with glycine, which is neutral and non-polar, at codon 29 of the PIGA protein (p.Arg29Gly). This variant is present in population databases (no rsID available, gnomAD 0.008%). This variant has not been reported in the literature in individuals affected with PIGA-related conditions. Algorithms developed to predict the effect of missense changes on protein structure and function (SIFT, PolyPhen-2, Align-GVGD) all suggest that this variant is likely to be tolerated. In summary, the available evidence is currently insufficient to determine the role of this variant in disease. Therefore, it has been classified as a Variant of Uncertain Significance.